The following is an entry in ClinVar:

ClinVar aggregate classification (germline): Benign/Likely benign. Review status: criteria provided, multiple submitters, no conflicts (2 of 4 stars). 3 submissions from 3 submitters: Benign (1); Likely benign (2). Last evaluated 2025-12-23.

Conditions:
SNRNP200-related disorder. Also called: SNRNP200-related condition.

Allele frequency attached by ClinVar (database versions not stated): ExAC 0.00009; 1000 Genomes Project 30x 0.00016; 1000 Genomes Project 0.00020; ESP Exome Variant Server 0.00023; TOPMed 0.00032; gnomAD exomes 0.00007.
gnomAD v4.1: 69 of 1,614,088 alleles (0.0043%); highest among the groups gnomAD compares: African/African-American, 0.073%; no homozygotes.

Submissions (3):

Labcorp Genetics (formerly Invitae), Labcorp
Classification: Benign. Last evaluated: 2025-12-23. Review status: criteria provided, single submitter. Criteria: Invitae Variant Classification Sherloc (09022015). Collection method: clinical testing. Allele origin: germline.

PreventionGenetics, part of Exact Sciences
Classification: Likely benign for SNRNP200-related condition. Last evaluated: 2024-11-26. Review status: criteria provided, single submitter. Criteria: ACMG Guidelines, 2015. Collection method: clinical testing. Allele origin: germline.
Comment: This variant is classified as likely benign based on ACMG/AMP sequence variant interpretation guidelines (Richards et al. 2015 PMID: 25741868, with internal and published modifications).

Blueprint Genetics
Classification: Likely benign. Last evaluated: 2024-08-28. Review status: criteria provided, single submitter. Criteria: ACMG Guidelines, 2015. Collection method: clinical testing. Allele origin: germline.

NM_014014.5(SNRNP200):c.2857C>A (p.Arg953=)

Gene: SNRNP200 (small nuclear ribonucleoprotein U5 subunit 200; minus strand). Cytogenetic location: 2q11.2.
Variant type: single nucleotide variant.
Coding change: c.2857C>A on transcript NM_014014.5 (MANE Select); coding-DNA position 2857, C replaced by A.
Protein change: p.Arg953=; no amino-acid change (arginine 953 retained).
Molecular consequence: synonymous variant.
Genome position (GRCh38, 1-based): chr2:96,289,882, G>T on the plus strand (C>A on the coding strand, the complement: SNRNP200 is on the minus strand). VCF-style: chr2-96289882-G-T. GRCh37 (hg19) VCF-style: chr2-96955620-G-T.
Other names: c.2857C>A (NM_014014.4).
Identifiers: ClinVar variation 1164792 (VCV001164792.11), dbSNP rs150917167, ClinGen allele CA1778609.